The following is an entry in ClinVar:

ClinVar aggregate classification (germline): Uncertain significance (1 of 4 stars; one submission).

Submission:

GeneDx
Classification: Uncertain significance. Last evaluated: 2019-08-12. Review status: criteria provided, single submitter. Criteria: GeneDx Variant Classification Process June 2021. Collection method: clinical testing. Allele origin: germline. Affected: yes.
Comment: Not observed in large population cohorts (Lek et al., 2016); In silico analysis, which includes protein predictors and evolutionary conservation, supports a deleterious effect; Has not been previously published as pathogenic or benign to our knowledge

NM_004380.3(CREBBP):c.5086C>G (p.His1696Asp)

Gene: CREBBP (CREB binding protein; minus strand). Cytogenetic location: 16p13.3.
Variant type: single nucleotide variant.
Coding change: c.5086C>G on transcript NM_004380.3 (MANE Select); coding-DNA position 5086, C replaced by G.
Protein change: p.His1696Asp; replaces histidine 1696 with aspartic acid.
Molecular consequence: missense variant.
Genome position (GRCh38, 1-based): chr16:3,731,278, G>C on the plus strand (C>G on the coding strand, the complement: CREBBP is on the minus strand). VCF-style: chr16-3731278-G-C. GRCh37 (hg19) VCF-style: chr16-3781279-G-C.
Other names: c.4972C>G, p.His1658Asp (NM_001079846.1); short protein forms H1658D, H1696D.
Identifiers: ClinVar variation 1307400 (VCV001307400.2), dbSNP rs2151316400, ClinGen allele CA394558344.